The following is an entry in ClinVar:

ClinVar aggregate classification (germline): Likely benign. Review status: criteria provided, multiple submitters, no conflicts (2 of 4 stars). 3 submissions from 3 submitters: Likely benign (3). Last evaluated 2025-02-16.

Conditions:
Developmental and epileptic encephalopathy, 33 (DEE33). Also called: Epileptic encephalopathy, early infantile, 33. Identifiers: Orphanet 442835, MedGen C4225337, MONDO:0014625, OMIM 616409.

Allele frequency attached by ClinVar (database versions not stated): ExAC 0.00001; gnomAD exomes 0.00001; TOPMed 0.00003; gnomAD 0.00005 and 0.00006.

Submissions (3):

Laboratory of Genetics, Children's Clinical University Hospital Latvia
Classification: Likely benign. Last evaluated: 2025-02-16. Review status: criteria provided, single submitter. Criteria: ACMG Guidelines, 2015. Collection method: clinical testing. Allele origin: germline. Affected: yes.

Labcorp Genetics (formerly Invitae), Labcorp
Classification: Likely benign for Developmental and epileptic encephalopathy, 33. Last evaluated: 2023-09-27. Review status: criteria provided, single submitter. Criteria: Invitae Variant Classification Sherloc (09022015). Collection method: clinical testing. Allele origin: germline.

GeneDx
Classification: Likely benign. Last evaluated: 2017-04-13. Review status: criteria provided, single submitter. Criteria: GeneDx Variant Classification (06012015). Collection method: clinical testing. Allele origin: germline. Affected: yes.
Comment: This variant is considered likely benign or benign based on one or more of the following criteria: it is a conservative change, it occurs at a poorly conserved position in the protein, it is predicted to be benign by multiple in silico algorithms, and/or has population frequency not consistent with disease.

NM_001958.5(EEF1A2):c.999G>A (p.Pro333=)

Gene: EEF1A2 (eukaryotic translation elongation factor 1 alpha 2; minus strand). Cytogenetic location: 20q13.33.
Variant type: single nucleotide variant.
Coding change: c.999G>A on transcript NM_001958.5 (MANE Select); coding-DNA position 999, G replaced by A.
Protein change: p.Pro333=; no amino-acid change (proline 333 retained).
Molecular consequence: synonymous variant.
Genome position (GRCh38, 1-based): chr20:63,490,509, C>T on the plus strand (G>A on the coding strand, the complement: EEF1A2 is on the minus strand). VCF-style: chr20-63490509-C-T. GRCh37 (hg19) VCF-style: chr20-62121862-C-T.
Identifiers: ClinVar variation 508914 (VCV000508914.11), dbSNP rs760721599, ClinGen allele CA9958997.